The following is an entry in ClinVar:

ClinVar aggregate classification (germline): Conflicting classifications of pathogenicity. Review status: criteria provided, conflicting classifications (1 of 4 stars). 2 submissions from 2 submitters: Uncertain significance (1); Likely benign (1). Last evaluated 2025-06-24.

Conditions:
Inborn genetic diseases. Identifiers: MedGen C0950123, MeSH D030342.

Allele frequency attached by ClinVar (database versions not stated): TOPMed below 0.00001; gnomAD 0.00001.
gnomAD v4.1: 33 of 1,613,866 alleles (0.002%); highest among the groups gnomAD compares: Middle Eastern, 0.082%; 1 homozygote.

Submissions (2):

Ambry Genetics
Classification: Likely benign for Inborn genetic diseases. Last evaluated: 2025-06-24. Review status: criteria provided, single submitter. Criteria: Ambry Variant Classification Scheme 2023. Collection method: clinical testing. Allele origin: germline.

Labcorp Genetics (formerly Invitae), Labcorp
Classification: Uncertain significance. Last evaluated: 2025-01-06. Review status: criteria provided, single submitter. Criteria: Invitae Variant Classification Sherloc (09022015). Collection method: clinical testing. Allele origin: germline.
Comment: This sequence change replaces leucine, which is neutral and non-polar, with valine, which is neutral and non-polar, at codon 4485 of the LRP2 protein (p.Leu4485Val). This variant is present in population databases (no rsID available, gnomAD 0.0009%). This variant has not been reported in the literature in individuals affected with LRP2-related conditions. ClinVar contains an entry for this variant (Variation ID: 1424199). Invitae Evidence Modeling of protein sequence and biophysical properties (such as structural, functional, and spatial information, amino acid conservation, physicochemical variation, residue mobility, and thermodynamic stability) indicates that this missense variant is not expected to disrupt LRP2 protein function with a negative predictive value of 80%. In summary, the available evidence is currently insufficient to determine the role of this variant in disease. Therefore, it has been classified as a Variant of Uncertain Significance.

NM_004525.3(LRP2):c.13453C>G (p.Leu4485Val)

Gene: LRP2 (LDL receptor related protein 2; minus strand). Cytogenetic location: 2q31.1.
Variant type: single nucleotide variant.
Coding change: c.13453C>G on transcript NM_004525.3 (MANE Select); coding-DNA position 13453, C replaced by G.
Protein change: p.Leu4485Val; replaces leucine 4485 with valine.
Molecular consequence: missense variant.
Genome position (GRCh38, 1-based): chr2:169,138,642, G>C on the plus strand (C>G on the coding strand, the complement: LRP2 is on the minus strand). VCF-style: chr2-169138642-G-C. GRCh37 (hg19) VCF-style: chr2-169995152-G-C.
Other names: c.13453C>G (NM_004525.2); short protein forms L4485V.
Identifiers: ClinVar variation 1424199 (VCV001424199.7), dbSNP rs1318786246, ClinGen allele CA349155012.